The following is an entry in ClinVar:

ClinVar aggregate classification (germline): Conflicting classifications of pathogenicity. Review status: criteria provided, conflicting classifications (1 of 4 stars). 8 submissions from 8 submitters: Uncertain significance (7); Likely benign (1). Last evaluated 2023-09-21.

Conditions:
Inborn genetic diseases. Identifiers: MedGen C0950123, MeSH D030342.
Muscular dystrophy-dystroglycanopathy (congenital with brain and eye anomalies), type A1 (MDDGA1). Also called: Muscular dystrophy-dystroglycanopathy (congenital with brain and eye anomalies), type A, 1; WALKER-WARBURG SYNDROME OR MUSCLE-EYE-BRAIN DISEASE, POMT1-RELATED; Hydrocephalus, agyria and retinal dysplasia; Hard +/- E syndrome; Warburg syndrome; Chemke syndrome. Identifiers: Orphanet 588, Orphanet 899, MedGen C4284790, MONDO:0009364, OMIM 236670.
Muscular dystrophy-dystroglycanopathy (congenital with impaired intellectual development), type B, 1. Also called: Muscular dystrophy-dystroglycanopathy (congenital with intellectual disability), type B1; MUSCULAR DYSTROPHY, CONGENITAL, POMT1-RELATED. Identifiers: MedGen C5436962, MONDO:0013159, OMIM 613155.
Autosomal recessive limb-girdle muscular dystrophy type 2K. Also called: MUSCULAR DYSTROPHY-DYSTROGLYCANOPATHY (LIMB-GIRDLE), TYPE C, 1; MUSCULAR DYSTROPHY, LIMB-GIRDLE, TYPE 2K. Identifiers: Orphanet 86812, MedGen C1836373, MONDO:0012248, OMIM 609308.
Walker-Warburg congenital muscular dystrophy. Also called: Muscular dystrophy-dystroglycanopathy, type A; Walker-Warburg syndrome. Identifiers: Orphanet 899, MedGen C0265221, MONDO:0000171.

Allele frequency attached by ClinVar (database versions not stated): ExAC 0.00008; gnomAD exomes 0.00010 and 0.00021; gnomAD 0.00006 and 0.00007; TOPMed 0.00010.
gnomAD v4.1: 71 of 1,614,050 alleles (0.0044%); highest among the groups gnomAD compares: Admixed American, 0.11%; no homozygotes.

Submissions (8):

Baylor Genetics
Classification: Uncertain significance for Muscular dystrophy-dystroglycanopathy (congenital with brain and eye anomalies), type A1. Last evaluated: 2023-09-21. Review status: criteria provided, single submitter. Criteria: ACMG Guidelines, 2015. Collection method: clinical testing. Allele origin: unknown.

Labcorp Genetics (formerly Invitae), Labcorp
Classification: Uncertain significance for Muscular dystrophy-dystroglycanopathy (congenital with impaired intellectual development), type B, 1; Walker-Warburg congenital muscular dystrophy; Autosomal recessive limb-girdle muscular dystrophy type 2K. Last evaluated: 2022-09-27. Review status: criteria provided, single submitter. Criteria: Invitae Variant Classification Sherloc (09022015). Collection method: clinical testing. Allele origin: germline.
Comment: This sequence change replaces serine, which is neutral and polar, with arginine, which is basic and polar, at codon 305 of the POMT1 protein (p.Ser305Arg). This variant is present in population databases (rs747506380, gnomAD 0.2%). This variant has not been reported in the literature in individuals affected with POMT1-related conditions. ClinVar contains an entry for this variant (Variation ID: 286908). Algorithms developed to predict the effect of missense changes on protein structure and function (SIFT, PolyPhen-2, Align-GVGD) all suggest that this variant is likely to be disruptive. In summary, the available evidence is currently insufficient to determine the role of this variant in disease. Therefore, it has been classified as a Variant of Uncertain Significance.

GeneDx
Classification: Uncertain significance. Last evaluated: 2022-01-20. Review status: criteria provided, single submitter. Criteria: GeneDx Variant Classification Process June 2021. Collection method: clinical testing. Allele origin: germline. Affected: yes.
Comment: In silico analysis supports that this missense variant has a deleterious effect on protein structure/function; Has not been previously published as pathogenic or benign to our knowledge; This variant is associated with the following publications: (PMID: 30564623)

Ambry Genetics
Classification: Likely benign for Inborn genetic diseases. Last evaluated: 2021-12-08. Review status: criteria provided, single submitter. Criteria: Ambry Variant Classification Scheme 2023. Collection method: clinical testing. Allele origin: germline.

Fulgent Genetics
Classification: Uncertain significance for Muscular dystrophy-dystroglycanopathy (congenital with brain and eye anomalies), type A1; Autosomal recessive limb-girdle muscular dystrophy type 2K; Muscular dystrophy-dystroglycanopathy (congenital with impaired intellectual development), type B, 1. Last evaluated: 2021-07-11. Review status: criteria provided, single submitter. Criteria: ACMG Guidelines, 2015. Collection method: clinical testing. Allele origin: unknown.

Mayo Clinic Laboratories, Mayo Clinic
Classification: Uncertain significance. Last evaluated: 2019-05-20. Review status: criteria provided, single submitter. Criteria: ACMG Guidelines, 2015. Collection method: clinical testing. Allele origin: germline. Observed: 1 variant allele.

Athena Diagnostics
Classification: Uncertain significance. Last evaluated: 2017-12-28. Review status: criteria provided, single submitter. Criteria: Athena Diagnostics Criteria. Collection method: clinical testing. Allele origin: germline.

Eurofins Ntd Llc (ga)
Classification: Uncertain significance. Last evaluated: 2016-03-17. Review status: criteria provided, single submitter. Criteria: EGL Classification Definitions 2015. Collection method: clinical testing. Allele origin: germline. Observed: 2 variant alleles, 2 heterozygotes.

NM_001077365.2(POMT1):c.847A>C (p.Ser283Arg)

Gene: POMT1 (protein O-mannosyltransferase 1; plus strand). Cytogenetic location: 9q34.13.
Variant type: single nucleotide variant.
Coding change: c.847A>C on transcript NM_001077365.2 (MANE Select); coding-DNA position 847, A replaced by C.
Protein change: p.Ser283Arg; replaces serine 283 with arginine.
Molecular consequence: missense variant. On other transcripts: non-coding transcript variant (10).
Genome position (GRCh38, 1-based): chr9:131,510,407, A>C. VCF-style: chr9-131510407-A-C. GRCh37 (hg19) VCF-style: chr9-134385794-A-C.
Other names: c.685A>C, p.Ser229Arg (NM_001077366.2, NM_001353194.2, NM_001374693.1); c.847A>C, p.Ser283Arg (NM_001136113.2, NM_001374690.1); c.496A>C, p.Ser166Arg (NM_001136114.2, NM_001353195.2, NM_001374691.1 and 1 more transcripts); c.913A>C, p.Ser305Arg (NM_001353193.2, NM_007171.4); c.757A>C, p.Ser253Arg (NM_001353196.2); c.751A>C, p.Ser251Arg (NM_001353197.2, NM_001353198.2); c.562A>C, p.Ser188Arg (NM_001353199.2); c.391A>C, p.Ser131Arg (NM_001353200.2); and 2 more; short protein forms S305R, S131R, S166R, S188R, S251R, S229R, S253R, S283R.
Identifiers: ClinVar variation 286908 (VCV000286908.21), dbSNP rs747506380, ClinGen allele CA5293451.